The following is an entry in ClinVar:

ClinVar aggregate classification (germline): Uncertain significance. Review status: criteria provided, multiple submitters, no conflicts (2 of 4 stars). 4 submissions from 4 submitters: Uncertain significance (4). Last evaluated 2025-09-17.

Conditions:
Inborn genetic diseases. Identifiers: MedGen C0950123, MeSH D030342.
Giant axonal neuropathy 1 (GAN1). Also called: GIANT AXONAL NEUROPATHY 1, AUTOSOMAL RECESSIVE; GAN-Related Neurodegeneration. Identifiers: Orphanet 643, MedGen C1850386, MONDO:0009749, OMIM 256850.

Allele frequency attached by ClinVar (database versions not stated): ESP Exome Variant Server 0.00015; TOPMed 0.00016; gnomAD 0.00006.
gnomAD v4.1: 243 of 1,613,684 alleles (0.015%); highest among the groups gnomAD compares: Non-Finnish European, 0.02%; no homozygotes.

Submissions (4):

Mayo Clinic Laboratories, Mayo Clinic
Classification: Uncertain significance. Last evaluated: 2025-09-17. Review status: criteria provided, single submitter. Criteria: ACMG Guidelines, 2015. Collection method: clinical testing. Allele origin: germline. Observed: 2 variant alleles.
Comment: PP3, PM2_supporting

Ambry Genetics
Classification: Uncertain significance for Inborn genetic diseases. Last evaluated: 2025-02-12. Review status: criteria provided, single submitter. Criteria: Ambry Variant Classification Scheme 2023. Collection method: clinical testing. Allele origin: germline.

GeneDx
Classification: Uncertain significance. Last evaluated: 2024-06-07. Review status: criteria provided, single submitter. Criteria: GeneDx Variant Classification Process June 2021. Collection method: clinical testing. Allele origin: germline. Affected: yes.
Comment: Not observed at significant frequency in large population cohorts (gnomAD); Missense variants in this gene are a common cause of disease and they are underrepresented in the general population; In silico analysis supports that this missense variant has a deleterious effect on protein structure/function; Has not been previously published as pathogenic or benign to our knowledge; This variant is associated with the following publications: (PMID: 27023907)

Labcorp Genetics (formerly Invitae), Labcorp
Classification: Uncertain significance for Giant axonal neuropathy 1. Last evaluated: 2022-10-26. Review status: criteria provided, single submitter. Criteria: Invitae Variant Classification Sherloc (09022015). Collection method: clinical testing. Allele origin: germline.
Comment: This sequence change replaces proline, which is neutral and non-polar, with threonine, which is neutral and polar, at codon 443 of the GAN protein (p.Pro443Thr). This variant is present in population databases (rs150043237, gnomAD 0.01%). This variant has not been reported in the literature in individuals affected with GAN-related conditions. ClinVar contains an entry for this variant (Variation ID: 649944). Advanced modeling of protein sequence and biophysical properties (such as structural, functional, and spatial information, amino acid conservation, physicochemical variation, residue mobility, and thermodynamic stability) performed at Invitae indicates that this missense variant is not expected to disrupt GAN protein function. In summary, the available evidence is currently insufficient to determine the role of this variant in disease. Therefore, it has been classified as a Variant of Uncertain Significance.

NM_022041.4(GAN):c.1327C>A (p.Pro443Thr)

Gene: GAN (gigaxonin; plus strand). Cytogenetic location: 16q23.2.
Variant type: single nucleotide variant.
Coding change: c.1327C>A on transcript NM_022041.4 (MANE Select); coding-DNA position 1327, C replaced by A.
Protein change: p.Pro443Thr; replaces proline 443 with threonine.
Molecular consequence: missense variant.
Genome position (GRCh38, 1-based): chr16:81,365,064, C>A. VCF-style: chr16-81365064-C-A. GRCh37 (hg19) VCF-style: chr16-81398669-C-A.
Other names: p.Pro443Thr; c.688C>A, p.Pro230Thr (NM_001377486.1); short protein forms P443T, P230T.
Identifiers: ClinVar variation 649944 (VCV000649944.10), dbSNP rs150043237, ClinGen allele CA8191705.